The following is an entry in ClinVar:

ClinVar aggregate classification (germline): Uncertain significance. Review status: criteria provided, multiple submitters, no conflicts (2 of 4 stars). 2 submissions from 2 submitters: Uncertain significance (2). Last evaluated 2025-12-01.

Conditions:
Centromeric instability of chromosomes 1,9 and 16 and immunodeficiency (ICF1). Also called: CENTROMERIC INSTABILITY, IMMUNODEFICIENCY SYNDROME; Immunodeficiency-centromeric instability-facial anomalies; IMMUNE DEFICIENCY, VARIABLE, WITH CENTROMERIC INSTABILITY OF CHROMOSOMES 1, 9, AND 16; IMMUNODEFICIENCY SYNDROME, VARIABLE. Identifiers: Orphanet 2268, MedGen C0398788, MONDO:0000133.

Allele frequency attached by ClinVar (database versions not stated): TOPMed below 0.00001; gnomAD exomes 0.00004 and 0.00008; ExAC 0.00009.
gnomAD v4.1: 70 of 1,611,640 alleles (0.0043%); highest among the groups gnomAD compares: Middle Eastern, 0.066%; no homozygotes.

Submissions (2):

Women's Health and Genetics/Laboratory Corporation of America, LabCorp
Classification: Uncertain significance. Last evaluated: 2025-12-01. Review status: criteria provided, single submitter. Criteria: LabCorp Variant Classification Summary - May 2015. Collection method: clinical testing. Allele origin: germline.

Labcorp Genetics (formerly Invitae), Labcorp
Classification: Uncertain significance for Centromeric instability of chromosomes 1,9 and 16 and immunodeficiency. Last evaluated: 2022-02-09. Review status: criteria provided, single submitter. Criteria: Invitae Variant Classification Sherloc (09022015). Collection method: clinical testing. Allele origin: germline.
Comment: This sequence change falls in intron 2 of the DNMT3B gene. It does not directly change the encoded amino acid sequence of the DNMT3B protein. It affects a nucleotide within the consensus splice site. This variant is present in population databases (rs748967232, gnomAD 0.06%). This variant has not been reported in the literature in individuals affected with DNMT3B-related conditions. Variants that disrupt the consensus splice site are a relatively common cause of aberrant splicing (PMID: 17576681, 9536098). Algorithms developed to predict the effect of sequence changes on RNA splicing suggest that this variant is not likely to affect RNA splicing. In summary, the available evidence is currently insufficient to determine the role of this variant in disease. Therefore, it has been classified as a Variant of Uncertain Significance.

Literature cited by the submitters: PubMed 17576681 (cited by Labcorp Genetics (formerly Invitae), Labcorp); PubMed 9536098 (cited by Labcorp Genetics (formerly Invitae), Labcorp).

NM_006892.4(DNMT3B):c.142+4G>T

Gene: DNMT3B (DNA methyltransferase 3 beta; plus strand). Cytogenetic location: 20q11.21.
Variant type: single nucleotide variant.
Coding change: c.142+4G>T on transcript NM_006892.4 (MANE Select); 4 bases into the intron after coding-DNA position 142, G replaced by T.
Molecular consequence: intron variant.
Genome position (GRCh38, 1-based): chr20:32,780,469, G>T. VCF-style: chr20-32780469-G-T. GRCh37 (hg19) VCF-style: chr20-31368275-G-T.
Other names: c.142+4G>T (NM_175848.2, NM_175849.2, NM_001207055.2 and 1 more transcripts); c.178+4G>T (NM_175850.3).
Identifiers: ClinVar variation 1412254 (VCV001412254.4), dbSNP rs748967232, ClinGen allele CA9810043.